The following is an entry in ClinVar:

NM_024529.5(CDC73):c.1028del (p.Pro343fs)

Gene: CDC73 (cell division cycle 73; plus strand). Cytogenetic location: 1q31.2.
Variant type: Deletion.
Coding change: c.1028del on transcript NM_024529.5 (MANE Select); coding-DNA position 1028, one base deleted (C; older notation c.1028delC).
Protein change: p.Pro343fs; shifts the reading frame from proline 343.
Molecular consequence: frameshift variant.
Genome position (GRCh38, 1-based): chr1:193,203,850, C deleted; the last of 2 consecutive C bases (chr1:193,203,849-193,203,850); deleting either gives the same sequence. VCF-style (leftmost placement, unchanged base first): chr1-193203848-AC-A. GRCh37 (hg19) VCF-style: chr1-193172978-AC-A.
Other names: short protein forms P343fs.
Identifiers: ClinVar variation 4724200 (VCV004724200.1).

ClinVar aggregate classification (germline): Pathogenic (1 of 4 stars; one submission).

Conditions:
Parathyroid carcinoma (PRTC). Also called: Parathyroid gland carcinoma; CDC73-Related Parathyroid Carcinoma. Identifiers: Orphanet 143, MedGen C0687150, MONDO:0012004, OMIM 608266, HP:0006780.

Submission:

Labcorp Genetics (formerly Invitae), Labcorp
Classification: Pathogenic for Parathyroid carcinoma. Last evaluated: 2025-07-29. Review status: criteria provided, single submitter. Criteria: Invitae Variant Classification Sherloc (09022015). Collection method: clinical testing. Allele origin: germline.
Comment: This sequence change creates a premature translational stop signal (p.Pro343Glnfs*21) in the CDC73 gene. It is expected to result in an absent or disrupted protein product. Loss-of-function variants in CDC73 are known to be pathogenic (PMID: 12434154). This variant is not present in population databases (gnomAD no frequency). This variant has not been reported in the literature in individuals affected with CDC73-related conditions. For these reasons, this variant has been classified as Pathogenic.

Literature cited by the submitters: PubMed 12434154.